The following is an entry in ClinVar:

ClinVar aggregate classification (germline): Uncertain significance (1 of 4 stars; one submission).

Conditions:
Familial adenomatous polyposis 1 (FAP1). Also called: FAMILIAL ADENOMATOUS POLYPOSIS 1, ATTENUATED; POLYPOSIS, ADENOMATOUS INTESTINAL. Identifiers: MedGen C2713442, MONDO:0021056, OMIM 175100. Disease mechanism: loss of function.

Submission:

Labcorp Genetics (formerly Invitae), Labcorp
Classification: Uncertain significance for Familial adenomatous polyposis 1. Last evaluated: 2025-11-03. Review status: criteria provided, single submitter. Criteria: Invitae Variant Classification Sherloc (09022015). Collection method: clinical testing. Allele origin: germline.
Comment: This variant occurs in a non-coding region of the APC gene. It does not change the encoded amino acid sequence of the APC protein. This variant is not present in population databases (gnomAD no frequency). This variant has not been reported in the literature in individuals affected with APC-related conditions. ClinVar contains an entry for this variant (Variation ID: 469900). Experimental studies and prediction algorithms are not available or were not evaluated, and the functional significance of this variant is currently unknown. In summary, the available evidence is currently insufficient to determine the role of this variant in disease. Therefore, it has been classified as a Variant of Uncertain Significance.

NC_000005.10:g.112707336A>T

Gene: APC (APC regulator of Wnt signaling pathway; plus strand). Cytogenetic location: 5q22.2.
Variant type: single nucleotide variant.
Genome position: GRCh38 VCF-style: chr5-112707336-A-T. GRCh37 (hg19) VCF-style: chr5-112043033-A-T.
Identifiers: ClinVar variation 469900 (VCV000469900.8), dbSNP rs1554060092, ClinGen allele CA658655866.